The following is an entry in ClinVar:

NM_000501.4(ELN):c.1264G>C (p.Gly422Arg)

Gene: ELN (elastin; plus strand). Cytogenetic location: 7q11.23.
Variant type: single nucleotide variant.
Coding change: c.1264G>C on transcript NM_000501.4 (MANE Select); coding-DNA position 1264, G replaced by C.
Protein change: p.Gly422Arg; replaces glycine 422 with arginine.
Molecular consequence: missense variant. On other transcripts: intron variant (2).
Genome position (GRCh38, 1-based): chr7:74,056,384, G>C. VCF-style: chr7-74056384-G-C. GRCh37 (hg19) VCF-style: chr7-73470714-G-C.
Other names: c.1234G>C, p.Gly412Arg (NM_001081752.3, NM_001278917.2); c.1279G>C, p.Gly427Arg (NM_001081753.3, NM_001081754.3); c.1264G>C, p.Gly422Arg (NM_001081755.3, NM_001278912.2, NM_001278915.2 and 1 more transcripts); c.1249G>C, p.Gly417Arg (NM_001278914.2); c.1222G>C, p.Gly408Arg (NM_001278916.2); c.1129+27G>C (NM_001278913.2); c.1105+27G>C (NM_001278918.2); short protein forms G422R, G412R, G408R, G417R, G427R.
Identifiers: ClinVar variation 569280 (VCV000569280.10), dbSNP rs2071307, ClinGen allele CA367881796.

ClinVar aggregate classification (germline): Uncertain significance. Review status: criteria provided, multiple submitters, no conflicts (2 of 4 stars). 2 submissions from 2 submitters: Uncertain significance (2). Last evaluated 2026-01-28.

Conditions:
Supravalvar aortic stenosis (SVAS). Also called: Supravalvar aortic stenosis, Eisenberg type. Identifiers: Orphanet 3193, MedGen C0003499, MONDO:0008504, OMIM 185500, HP:0004381.

gnomAD v4.1: 6 of 1,613,722 alleles (0.00037%); highest among the groups gnomAD compares: African/African-American, 0.0067%; no homozygotes.

Submissions (2):

Labcorp Genetics (formerly Invitae), Labcorp
Classification: Uncertain significance for Supravalvar aortic stenosis. Last evaluated: 2026-01-28. Review status: criteria provided, single submitter. Criteria: Invitae Variant Classification Sherloc (09022015). Collection method: clinical testing. Allele origin: germline.
Comment: This sequence change replaces glycine, which is neutral and non-polar, with arginine, which is basic and polar, at codon 422 of the ELN protein (p.Gly422Arg). This variant is present in population databases (no rsID available, gnomAD 0.008%). This variant has not been reported in the literature in individuals affected with ELN-related conditions. ClinVar contains an entry for this variant (Variation ID: 569280). Experimental studies and prediction algorithms are not available or were not evaluated, and the functional significance of this variant is currently unknown. In summary, the available evidence is currently insufficient to determine the role of this variant in disease. Therefore, it has been classified as a Variant of Uncertain Significance.

GeneDx
Classification: Uncertain significance. Last evaluated: 2019-06-03. Review status: criteria provided, single submitter. Criteria: GeneDx Variant Classification Process June 2021. Collection method: clinical testing. Allele origin: germline. Affected: yes.
Comment: Has not been previously published as pathogenic or benign to our knowledge; Reported in ClinVar but additional evidence is not available (ClinVar Variant ID# 569280; Landrum et al., 2016); Not observed at a significant frequency in large population cohorts (Lek et al., 2016); In silico analysis, which includes protein predictors and evolutionary conservation, supports a deleterious effect